The following is an entry in ClinVar:

NM_006147.4(IRF6):c.107T>A (p.Phe36Tyr)

Gene: IRF6 (interferon regulatory factor 6; minus strand). Cytogenetic location: 1q32.2.
Variant type: single nucleotide variant.
Coding change: c.107T>A on transcript NM_006147.4 (MANE Select); coding-DNA position 107, T replaced by A.
Protein change: p.Phe36Tyr; replaces phenylalanine 36 with tyrosine.
Molecular consequence: missense variant. On other transcripts: intron variant (1).
Genome position (GRCh38, 1-based): chr1:209,801,307, A>T on the plus strand (T>A on the coding strand, the complement: IRF6 is on the minus strand). VCF-style: chr1-209801307-A-T. GRCh37 (hg19) VCF-style: chr1-209974652-A-T.
Other names: c.-112+4640T>A (NM_001206696.2); short protein forms F36Y.
Identifiers: ClinVar variation 932248 (VCV000932248.2), dbSNP rs2077940279, ClinGen allele CA344585678.

ClinVar aggregate classification (germline): Uncertain significance. Review status: criteria provided, single submitter (1 of 4 stars). 2 submissions from 2 submitters: Uncertain significance (1). 1 of the submissions does not count toward it. Last evaluated 2025-07-08.

Conditions:
Orofacial cleft 6, susceptibility to (OFC6). Also called: CLEFT LIP WITH OR WITHOUT CLEFT PALATE, NONSYNDROMIC, 6. Identifiers: MedGen C1837213, MONDO:0012141, OMIM 608864.
Van der Woude syndrome. Identifiers: Orphanet 888, MedGen C0175697, MONDO:0019508.
Popliteal pterygium syndrome (PPS). Identifiers: Orphanet 294963, MedGen C0265259, MONDO:0017435.
Van der Woude syndrome 1. Also called: van der Woude Syndrome (VWS); CLEFT LIP AND/OR PALATE WITH MUCOUS CYSTS OF LOWER LIP. Identifiers: MedGen C4551864, MONDO:0007333, OMIM 119300.

Submissions (2):

Labcorp Genetics (formerly Invitae), Labcorp
Classification: Uncertain significance for Orofacial cleft 6, susceptibility to; Van der Woude syndrome; Popliteal pterygium syndrome. Last evaluated: 2025-07-08. Review status: criteria provided, single submitter. Criteria: Invitae Variant Classification Sherloc (09022015). Collection method: clinical testing. Allele origin: germline.
Comment: This sequence change replaces phenylalanine, which is neutral and non-polar, with tyrosine, which is neutral and polar, at codon 36 of the IRF6 protein (p.Phe36Tyr). This variant is not present in population databases (gnomAD no frequency). This missense change has been observed in individuals with clinical features of Van der Woude syndrome (PMID: 32558391; internal data). ClinVar contains an entry for this variant (Variation ID: 932248). Invitae Evidence Modeling of protein sequence and biophysical properties (such as structural, functional, and spatial information, amino acid conservation, physicochemical variation, residue mobility, and thermodynamic stability) indicates that this missense variant is expected to disrupt IRF6 protein function with a positive predictive value of 80%. This variant disrupts the p.Phe36 amino acid residue in IRF6. Other variant(s) that disrupt this residue have been observed in individuals with IRF6-related conditions (PMID: 19282774), which suggests that this may be a clinically significant amino acid residue. In summary, the available evidence is currently insufficient to determine the role of this variant in disease. Therefore, it has been classified as a Variant of Uncertain Significance.

Iowa Institute Of Oral Health Research, University of Iowa
No classification provided. Condition: Van der Woude syndrome 1. Review status: no classification provided. Collection method: phenotyping only. Allele origin: maternal. Affected: yes. Observed: 2 variant alleles. Not counted in ClinVar's aggregate classification.

Literature cited by the submitters: PubMed 32558391 (cited by Labcorp Genetics (formerly Invitae), Labcorp); PubMed 19282774 (cited by Labcorp Genetics (formerly Invitae), Labcorp).